The following is an entry in ClinVar:

NM_002971.6(SATB1):c.1785GCA[1] (p.Gln606_Gln607del)

Gene: SATB1 (SATB homeobox 1; minus strand). Cytogenetic location: 3p24.3.
Variant type: Microsatellite.
Coding change: c.1785GCA[1] on transcript NM_002971.6 (MANE Select); one copy of the 3-base unit GCA starting at c.1785; the reference has three copies in a row; two copies, 6 bases deleted; also written c.1788_1793del.
Protein change: p.Gln606_Gln607del.
Molecular consequence: inframe deletion.
Genome position (GRCh38, 1-based): chr3:18,349,669-18,349,674, TGCTGC deleted on the plus strand (GCAGCA on the coding strand, the reverse complement: SATB1 is on the minus strand); deleting any 6 consecutive bases within chr3:18,349,669-18,349,679 gives the same sequence; the position shown is the placement nearest the transcript's 3' end. VCF-style (leftmost placement, unchanged base first): chr3-18349668-TTGCTGC-T. GRCh37 (hg19) VCF-style: chr3-18391160-TTGCTGC-T.
Other names: c.1785GCA[1], p.Gln606_Gln607del (NM_001131010.4, NM_001322872.2, NM_001322873.2 and 2 more transcripts); c.1881GCA[1], p.Gln638_Gln639del (NM_001195470.3, NM_001322871.2); c.1569GCA[1], p.Gln534_Gln535del (NM_001322876.2); c.1788_1793del (NM_002971.6).
Identifiers: ClinVar variation 4279708 (VCV004279708.3).

ClinVar aggregate classification (germline): Uncertain significance. Review status: criteria provided, single submitter (1 of 4 stars). 2 submissions from 2 submitters: Uncertain significance (1). 1 of the submissions does not count toward it.

Conditions:
Kohlschutter-Tonz syndrome-like. Also called: DEN HOED-DE BOER-VOISIN SYNDROME. Identifiers: MedGen C5543202, MONDO:0030990, OMIM 619229.
Developmental delay with dysmorphic facies and dental anomalies. Identifiers: MedGen C5543197, MONDO:0030988, OMIM 619228.

Submissions (2):

Juno Genomics, Hangzhou Juno Genomics, Inc
Classification: Uncertain significance for Kohlschutter-Tonz syndrome-like; Developmental delay with dysmorphic facies and dental anomalies. Review status: criteria provided, single submitter. Criteria: ACMG Guidelines, 2015. Collection method: clinical testing. Allele origin: germline.
Comment: Absent from controls (or at extremely low frequency if recessive) in Genome Aggregation Database.;Protein length changes due to in-frame deletions/insertions in a non-repeat region or stop-loss variants.

Genetics laboratory, Institute of Kidney Diseases & Research Centre Dr. H.L. Trivedi Institute Of Transplantation Sciences
Classification: Uncertain significance for Developmental delay with dysmorphic facies and dental anomalies. Review status: no assertion criteria provided. Collection method: clinical testing. Allele origin: germline. Inheritance: Autosomal dominant inheritance. Affected: yes. Observed: 1 variant allele, 1 heterozygote. Not counted in ClinVar's aggregate classification.
Comment: In-frame deletions in a repetitive region with no known function with Extremely low frequency in gnomAD population databases.